The following is an entry in ClinVar:

NM_020435.4(GJC2):c.370C>T (p.Pro124Ser)

Gene: GJC2 (gap junction protein gamma 2; plus strand). Cytogenetic location: 1q42.13.
Variant type: single nucleotide variant.
Coding change: c.370C>T on transcript NM_020435.4 (MANE Select); coding-DNA position 370, C replaced by T.
Protein change: p.Pro124Ser; replaces proline 124 with serine.
Molecular consequence: missense variant.
Genome position (GRCh38, 1-based): chr1:228,158,128, C>T. VCF-style: chr1-228158128-C-T. GRCh37 (hg19) VCF-style: chr1-228345829-C-T.
Other names: short protein forms P124S.
Identifiers: ClinVar variation 3099992 (VCV003099992.2), dbSNP rs1242199759, ClinGen allele CA345097580.

ClinVar aggregate classification (germline): Uncertain significance. Review status: criteria provided, multiple submitters, no conflicts (2 of 4 stars). 2 submissions from 2 submitters: Uncertain significance (2). Last evaluated 2026-01-23.

Conditions:
Inborn genetic diseases. Identifiers: MedGen C0950123, MeSH D030342.
Spastic paraplegia. Identifiers: MedGen C0037772, HP:0001258.

Allele frequency attached by ClinVar (database versions not stated): gnomAD 0.00001; gnomAD exomes 0.00001; TOPMed 0.00002.
gnomAD v4.1: 5 of 1,252,840 alleles (0.0004%); highest among the groups gnomAD compares: Non-Finnish European, 0.0004%; no homozygotes.

Submissions (2):

Labcorp Genetics (formerly Invitae), Labcorp
Classification: Uncertain significance for Spastic paraplegia. Last evaluated: 2026-01-23. Review status: criteria provided, single submitter. Criteria: Invitae Variant Classification Sherloc (09022015). Collection method: clinical testing. Allele origin: germline.
Comment: This sequence change replaces proline, which is neutral and non-polar, with serine, which is neutral and polar, at codon 124 of the GJC2 protein (p.Pro124Ser). This variant is not present in population databases (gnomAD no frequency). This variant has not been reported in the literature in individuals affected with GJC2-related conditions. ClinVar contains an entry for this variant (Variation ID: 3099992). Invitae Evidence Modeling of protein sequence and biophysical properties (such as structural, functional, and spatial information, amino acid conservation, physicochemical variation, residue mobility, and thermodynamic stability) has been performed for this missense variant. However, the output from this modeling did not meet the statistical confidence thresholds required to predict the impact of this variant on GJC2 protein function. In summary, the available evidence is currently insufficient to determine the role of this variant in disease. Therefore, it has been classified as a Variant of Uncertain Significance.

Ambry Genetics
Classification: Uncertain significance for Inborn genetic diseases. Last evaluated: 2021-05-24. Review status: criteria provided, single submitter. Criteria: Ambry Variant Classification Scheme 2023. Collection method: clinical testing. Allele origin: germline.